The following is an entry in ClinVar:

NM_001378452.1(ITPR1):c.2340G>A (p.Ala780=)

Gene: ITPR1 (inositol 1,4,5-trisphosphate receptor type 1; plus strand). Cytogenetic location: 3p26.1.
Variant type: single nucleotide variant.
Coding change: c.2340G>A on transcript NM_001378452.1 (MANE Select); coding-DNA position 2340, G replaced by A.
Protein change: p.Ala780=; no amino-acid change (alanine 780 retained).
Molecular consequence: synonymous variant.
Genome position (GRCh38, 1-based): chr3:4,673,271, G>A. VCF-style: chr3-4673271-G-A. GRCh37 (hg19) VCF-style: chr3-4714955-G-A.
Other names: c.2340G>A, p.Ala780= (NM_001099952.4); c.2295G>A, p.Ala765= (NM_001168272.2, NM_002222.7).
Identifiers: ClinVar variation 901205 (VCV000901205.34), dbSNP rs748274420, ClinGen allele CA2231399.

ClinVar aggregate classification (germline): Conflicting classifications of pathogenicity. Review status: criteria provided, conflicting classifications (1 of 4 stars). 5 submissions from 5 submitters: Uncertain significance (1); Likely benign (3). 1 of the submissions does not count toward it. Last evaluated 2025-10-01.

Conditions:
ITPR1-related disorder. Also called: ITPR1-related condition.
Autosomal dominant cerebellar ataxia. Also called: Spinocerebellar Ataxia, Dominant. Identifiers: Orphanet 99, MedGen C4087347, MONDO:0020380.

Allele frequency attached by ClinVar (database versions not stated): ExAC 0.00002; gnomAD exomes 0.00002 and 0.00003; TOPMed 0.00003.
gnomAD v4.1: 62 of 1,613,766 alleles (0.0038%); highest among the groups gnomAD compares: Middle Eastern, 0.016%; no homozygotes.

Submissions (5):

Labcorp Genetics (formerly Invitae), Labcorp
Classification: Likely benign. Last evaluated: 2025-10-01. Review status: criteria provided, single submitter. Criteria: Invitae Variant Classification Sherloc (09022015). Collection method: clinical testing. Allele origin: germline.

CeGaT Center for Human Genetics Tuebingen
Classification: Likely benign. Last evaluated: 2023-05-01. Review status: criteria provided, single submitter. Criteria: CeGaT Center For Human Genetics Tuebingen Variant Classification Criteria Version 2. Collection method: clinical testing. Allele origin: germline. Affected: yes. Observed: 1 variant allele.
Comment: ITPR1: BP4, BP7

Blueprint Genetics
Classification: Likely benign. Last evaluated: 2022-08-08. Review status: criteria provided, single submitter. Criteria: ACMG Guidelines, 2015. Collection method: clinical testing. Allele origin: germline.

Illumina Laboratory Services, Illumina
Classification: Uncertain significance for Spinocerebellar Ataxia, Dominant. Last evaluated: 2018-01-17. Review status: criteria provided, single submitter. Criteria: ICSL Variant Classification Criteria 13 December 2019. Collection method: clinical testing. Allele origin: germline.

PreventionGenetics, part of Exact Sciences
Classification: Likely benign for ITPR1-related condition. Last evaluated: 2024-03-06. Review status: no assertion criteria provided. Collection method: clinical testing. Allele origin: germline. Not counted in ClinVar's aggregate classification.
Comment: This variant is classified as likely benign based on ACMG/AMP sequence variant interpretation guidelines (Richards et al. 2015 PMID: 25741868, with internal and published modifications).